The following is an entry in ClinVar:

ClinVar aggregate classification (germline): Pathogenic. Review status: reviewed by expert panel (3 of 4 stars). 8 submissions from 8 submitters: Pathogenic (1). 7 of the submissions do not count toward it. Last evaluated 2022-06-06.

Conditions:
Cerebral creatine deficiency syndrome. Also called: Creatine deficiency syndromes. Identifiers: Orphanet 79172, MedGen C5244016, MONDO:0000456.
Inborn genetic diseases. Identifiers: MedGen C0950123, MeSH D030342.
Deficiency of guanidinoacetate methyltransferase (CCDS2). Also called: GAMT DEFICIENCY; Guanidinoacetate Methyltransferase (GAMT) Deficiency; CEREBRAL CREATINE DEFICIENCY SYNDROME 2. Identifiers: Orphanet 382, MedGen C0574080, MONDO:0012999, OMIM 612736.

Submissions (8):

ClinGen Cerebral Creatine Deficiency Syndromes Variant Curation Expert Panel, ClinGen
Classification: Pathogenic for Deficiency of guanidinoacetate methyltransferase. Last evaluated: 2022-06-06. Review status: reviewed by expert panel. Criteria: ClinGen_CCDS_ACMG_Specifications_GAMT_v1.1. Collection method: curation. Allele origin: germline. Inheritance: Autosomal recessive inheritance.
Comment: The NM_000156.6:c.491dup (p.Val165ArgfsTer26) variant in GAMT is a frameshift variant predicted to cause a premature stop codon in the last 50 nucleotides of the penultimate exon of the gene and therefore to escape nonsense mediated decay. More than 10% of the protein is predicted to be removed (PVS1_Strong; PMID: 11136556). The highest population minor allele frequency in gnomAD v2.1.1 is 0.0001 in the East Asian population, which is less than the ClinGen CCDS VCEP's threshold (<0.0004) (PM2_Supporting). The variant was found in homozygosity in one patient who meets the ClinGen CCDS VCEP's PP4 specifications (PMID 12557293). This variant was also found in compound heterozygosity in two patients who meet ClinGen CCDS VCEP’s PP4 specifications; one with the variant c.564G>T (p. Met188Ile) (PMID 28438604) or "IVS5-3C>G" (PMID 11136556). However, the in trans data from these two patients will be used in the assessment of the second variant and is not included here to avoid circular logic. (PM3_Supporting). Three patients have been reported with this variant and clinical and biochemical features consistent with GAMT deficiency including an adult patient with low creatine and elevated GAA in urine, plasma, and CSF, <10% normal GAMT activity in fibroblasts, and absent creatine peak with GAA detected on MRS (PMID 12557293), low creatine and elevated GAA in plasma and urine and absent creatine peak on MRS (PMID 28438604), and elevated GAA in plasma, urine, and CSF, and lacking creatine peak on brain MRS (PMID 1136556)(PP4_Strong). There is a ClinVar entry for this variant (Variation ID: 495685) In summary, this variant meets the criteria to be classified as Pathogenic for GAMT deficiency based on the ACMG/AMP criteria applied, as specified by the ClinGen Cerebral Creatine Deficiency Syndromes Variant Curation Expert Panel (Specifications Version 1.1.0): PVS1_Strong, PP4_Strong, PM2_Supporting, PM3_Supporting. (Classification approved by the ClinGen CCDS VCEP on June 6, 2022).

Ambry Genetics
Classification: Likely pathogenic for Inborn genetic diseases. Last evaluated: 2024-10-25. Review status: criteria provided, single submitter. Criteria: Ambry Variant Classification Scheme 2023. Collection method: clinical testing. Allele origin: germline. Not counted in ClinVar's aggregate classification.
Comment: The c.491dupG (p.V165Rfs*26) alteration, located in exon 5 (coding exon 5) of the GAMT gene, consists of a duplication of G at position 491, causing a translational frameshift with a predicted alternate stop codon after 26 amino acids. This alteration occurs at the 3' terminus of the GAMT gene, is not expected to trigger nonsense-mediated mRNA decay, and impacts the last 19% of the protein. However, premature stop codons are typically deleterious in nature and a significant portion of the protein is affected (Ambry internal data). Based on data from gnomAD, the c.491dupG allele has an overall frequency of 0.003% (7/282066) total alleles studied. The highest observed frequency was 0.01% (2/19944) of East Asian alleles. This variant has been identified in the homozygous state and/or in conjunction with other GAMT variant(s) in individual(s) with features consistent with GAMT-related cerebral creatine deficiency syndrome; in at least one instance, the variants were identified in trans (Carducci, 2002; Schulze, 2003; Sun, 2017; Ganapathy, 2019; Sun, 2023). Based on the available evidence, this alteration is classified as likely pathogenic.

Labcorp Genetics (formerly Invitae), Labcorp
Classification: Pathogenic for Cerebral creatine deficiency syndrome. Last evaluated: 2024-10-24. Review status: criteria provided, single submitter. Criteria: Invitae Variant Classification Sherloc (09022015). Collection method: clinical testing. Allele origin: germline. Not counted in ClinVar's aggregate classification.
Comment: This sequence change creates a premature translational stop signal (p.Val165Argfs*26) in the GAMT gene. While this is not anticipated to result in nonsense mediated decay, it is expected to disrupt the last 72 amino acid(s) of the GAMT protein. This variant is present in population databases (rs768985121, gnomAD 0.01%). This premature translational stop signal has been observed in individual(s) with cerebral creatine deficiency syndrome (PMID: 11136556, 12557293, 28438604). ClinVar contains an entry for this variant (Variation ID: 495685). For these reasons, this variant has been classified as Pathogenic.

Natera, Inc.
Classification: Pathogenic for Guanidinoacetate methyltransferase deficiency. Last evaluated: 2024-04-23. Review status: criteria provided, single submitter. Criteria: Natera Variant Classification Schema (03/2026). Collection method: clinical testing. Allele origin: germline. Not counted in ClinVar's aggregate classification.
Comment: The c.491dupG variant in GAMT is a frameshift variant predicted to shift the reading frame beginning at codon 165 and leads to a stop codon 26 codons downstream. This variant is expected to result in nonsense mediated decay, truncation, or a dysfunctional protein product. This variant is rare in the general population with a frequency below the threshold expected for the associated phenotype(s). This variant has been observed in one or more individuals affected with the associated recessive disease, as either homozygous or compound heterozygous with a second variant (PMID: 16855203, 28438604, 16054853, 35588794). Given the available evidence, this variant is classified as Pathogenic.

Laboratorio de Genetica e Diagnostico Molecular, Hospital Israelita Albert Einstein
Classification: Pathogenic for Deficiency of guanidinoacetate methyltransferase. Last evaluated: 2022-04-17. Review status: criteria provided, single submitter. Criteria: ACMG Guidelines, 2015. Collection method: clinical testing. Allele origin: germline. Affected: yes. Observed: 1 variant allele. Not counted in ClinVar's aggregate classification.
Comment: ACMG classification criteria: PVS1 very strong, PS4 moderated, PM2 moderated, PM3 moderated

Broad Center for Mendelian Genomics, Broad Institute of MIT and Harvard
Classification: Pathogenic for Cerebral creatine deficiency syndrome. Last evaluated: 2021-11-02. Review status: criteria provided, single submitter. Criteria: ACMG Guidelines, 2015. Collection method: curation. Allele origin: germline. Inheritance: Autosomal recessive inheritance. Not counted in ClinVar's aggregate classification.
Comment: The p.Val165fs variant in GAMT has been reported in 3 individuals with cerebral creatine deficiency syndrome (PMID: 11136556, 12557293, 28438604), and has been identified in in 0.01% (2/19944) of East Asian chromosomes by the Genome Aggregation Database (gnomAD; dbSNP ID: rs768985121). Although this variant has been seen in the general population in a heterozygous state, its frequency is low enough to be consistent with a recessive carrier frequency. Of the 3 affected individuals, 1 of those was a homozygote and 2 were compound heterozygotes that carried variants of uncertain significance in trans, which increases the likelihood that the p.Val165fs variant is pathogenic (Variation ID: 939221; PMID: 11136556, 12557293, 28438604). This variant has also been reported in ClinVar (Variation ID#: 495685) and has been interpreted as pathogenic by Integrated Genetics (Laboratory Corporation of America) and Invitae. This variant is predicted to cause a frameshift, which alters the protein’s amino acid sequence beginning at position 165 and leads to a premature termination codon 26 amino acids downstream. This termination codon occurs within the terminal 50 bases of the penultimate exon and is more likely to escape nonsense mediated decay (NMD) and result in a truncated protein. Loss of function of the GAMT gene is an established disease mechanism in autosomal recessive cerebral creatine deficiency syndrome. The phenotype of individuals homozygous or compound heterozygous for this variant is highly specific for cerebral creatine deficiency syndrome based on strict biochemical investigations consistent with disease (PMID: 11136556, 12557293, 28438604). In summary, this variant meets criteria to be classified as pathogenic for autosomal recessive cerebral creatine deficiency syndrome. ACMG/AMP Criteria applied: PVS1_strong, PM3, PP4_strong, PM2_supporting (Richards 2015).

Women's Health and Genetics/Laboratory Corporation of America, LabCorp
Classification: Pathogenic for Deficiency of guanidinoacetate methyltransferase. Last evaluated: 2017-03-27. Review status: criteria provided, single submitter. Criteria: LabCorp Variant Classification Summary - May 2015. Collection method: clinical testing. Allele origin: germline. Not counted in ClinVar's aggregate classification.
Comment: Variant summary: The GAMT c.491dupG (p.Val165Argfs) variant results in a premature termination codon, predicted to cause a truncated or absent GAMT protein due to nonsense mediated decay, which are commonly known mechanisms for disease. One in silico tool predicts a damaging outcome for this variant. This variant was found in 3/120398 control chromosomes at a frequency of 0.0000249, which does not exceed the estimated maximal expected allele frequency of a pathogenic GAMT variant (0.001118). This variant has been reported in GAMTD patients both as homozygote and compound heterozygote. In addition, the GAMT activity in lymphoblasts was less than 10% of lower limit of controls (schulze_AN_2003). Taken together, this variant is classified as pathogenic.

Juno Genomics, Hangzhou Juno Genomics, Inc
Classification: Pathogenic for Deficiency of guanidinoacetate methyltransferase. Review status: criteria provided, single submitter. Criteria: ACMG Guidelines, 2015. Collection method: clinical testing. Allele origin: germline. Affected: yes. Not counted in ClinVar's aggregate classification.
Comment: Absent from controls (or at extremely low frequency if recessive) in Genome Aggregation Database, Exome Sequencing Project, 1000 Genomes Project, or Exome Aggregation Consortium.;Null variant in a gene where loss of function (LOF) is a known mechanism of disease.;Patient's phenotype or family history is highly specific for a disease with a single genetic etiology.;For recessive disorders, detected in trans with a pathogenic variant.

Literature cited by the submitters: PubMed 12324495 (cited by Ambry Genetics); PubMed 12557293 (cited by 3 submitters); PubMed 28438604 (cited by 3 submitters); PubMed 31069529 (cited by Ambry Genetics); PubMed 35588794 (cited by Ambry Genetics and Natera, Inc.); PubMed 37305710 (cited by Ambry Genetics); PubMed 11136556 (cited by Labcorp Genetics (formerly Invitae), Labcorp and Women's Health and Genetics/Laboratory Corporation of America, LabCorp); PubMed 16855203 (cited by Natera, Inc.); PubMed 16054853 (cited by Natera, Inc.); PubMed 15108290 (cited by Women's Health and Genetics/Laboratory Corporation of America, LabCorp); PubMed 11978605 (cited by Women's Health and Genetics/Laboratory Corporation of America, LabCorp).

NM_000156.6(GAMT):c.491dup (p.Val165fs)

Gene: GAMT (guanidinoacetate N-methyltransferase; minus strand). Cytogenetic location: 19p13.3.
Variant type: Duplication.
Coding change: c.491dup on transcript NM_000156.6 (MANE Select); coding-DNA position 491, one base duplicated (G; older notation c.491dupG).
Protein change: p.Val165fs; shifts the reading frame from valine 165.
Molecular consequence: frameshift variant.
Genome position (GRCh38, 1-based): chr19:1,398,995, C duplicated on the plus strand (G on the coding strand, the reverse complement: GAMT is on the minus strand); the first of 6 consecutive C bases (chr19:1,398,995-1,399,000); duplicating any one gives the same sequence. VCF-style (leftmost placement, unchanged base first): chr19-1398994-G-GC. GRCh37 (hg19) VCF-style: chr19-1398993-G-GC.
Other names: NM_000156.6(GAMT):c.491dup; p.Val165fs; c.491dupG (NM_000156.5); c.491dup, p.Val165fs (NM_138924.3); short protein forms V165fs.
Identifiers: ClinVar variation 495685 (VCV000495685.22), dbSNP rs749390953, ClinGen allele CA9043628.